The following is an entry in ClinVar:

NM_001134363.3(RBM20):c.-19C>T

Gene: RBM20 (RNA binding motif protein 20; plus strand). Cytogenetic location: 10q25.2.
Variant type: single nucleotide variant.
Coding change: c.-19C>T on transcript NM_001134363.3 (MANE Select); 19 bases upstream of the start codon, C replaced by T.
Molecular consequence: 5 prime UTR variant.
Genome position (GRCh38, 1-based): chr10:110,644,436, C>T. VCF-style: chr10-110644436-C-T. GRCh37 (hg19) VCF-style: chr10-112404194-C-T.
Other names: c.-19C>T (LRG_382t1).
Identifiers: ClinVar variation 383297 (VCV000383297.1), dbSNP rs1057521578, ClinGen allele CA16605600.

ClinVar aggregate classification (germline): Likely benign (1 of 4 stars; one submission).

Allele frequency attached by ClinVar (database versions not stated): TOPMed 0.00001; gnomAD 0.00001.

Submission:

GeneDx
Classification: Likely benign. Last evaluated: 2016-01-26. Review status: criteria provided, single submitter. Criteria: GeneDx Variant Classification (06012015). Collection method: clinical testing. Allele origin: germline. Affected: yes.
Comment: This variant is considered likely benign or benign based on one or more of the following criteria: it is a conservative change, it occurs at a poorly conserved position in the protein, it is predicted to be benign by multiple in silico algorithms, and/or has population frequency not consistent with disease.